The following is an entry in ClinVar:

ClinVar aggregate classification (germline): Uncertain significance. Review status: criteria provided, multiple submitters, no conflicts (2 of 4 stars). 2 submissions from 2 submitters: Uncertain significance (2). Last evaluated 2025-12-16.

Conditions:
Familial thoracic aortic aneurysm and aortic dissection (TAAD). Also called: Thoracic aortic aneurysms and dissections. Identifiers: Orphanet 91387, MedGen C4707243, MONDO:0019625.

Submissions (2):

Ambry Genetics
Classification: Uncertain significance for Familial thoracic aortic aneurysm and aortic dissection. Last evaluated: 2025-12-16. Review status: criteria provided, single submitter. Criteria: Ambry Variant Classification Scheme 2023. Collection method: clinical testing. Allele origin: germline.
Comment: The p.P839A variant (also known as c.2515C>G), located in coding exon 36 of the COL3A1 gene, results from a C to G substitution at nucleotide position 2515. The proline at codon 839 is replaced by alanine, an amino acid with highly similar properties. This amino acid position is conserved. In addition, the in silico prediction for this alteration is inconclusive. Based on the available evidence, the clinical significance of this variant remains unclear.

GeneDx
Classification: Uncertain significance. Last evaluated: 2025-05-12. Review status: criteria provided, single submitter. Criteria: GeneDx Variant Classification Process June 2021. Collection method: clinical testing. Allele origin: germline. Affected: yes.
Comment: Not observed at significant frequency in large population cohorts (gnomAD); In silico analysis supports that this missense variant has a deleterious effect on protein structure/function; Has not been previously published as pathogenic or benign to our knowledge; Occurs in the triple helical domain at the Y position in the canonical Gly-X-Y repeat; although this variant may have an effect on normal protein folding and function, missense substitution at the Y position is not a common mechanism of disease (HGMD)

NM_000090.4(COL3A1):c.2515C>G (p.Pro839Ala)

Gene: COL3A1 (collagen type III alpha 1 chain; plus strand). Cytogenetic location: 2q32.2.
Variant type: single nucleotide variant.
Coding change: c.2515C>G on transcript NM_000090.4 (MANE Select); coding-DNA position 2515, C replaced by G.
Protein change: p.Pro839Ala; replaces proline 839 with alanine.
Molecular consequence: missense variant.
Genome position (GRCh38, 1-based): chr2:189,003,024, C>G. VCF-style: chr2-189003024-C-G. GRCh37 (hg19) VCF-style: chr2-189867750-C-G.
Other names: short protein forms P839A.
Identifiers: ClinVar variation 4529779 (VCV004529779.2).
Genomic context (GRCh38, chr2:189,003,024, plus strand): 5'-GGTGAACCTGGTGGTAAAGGAGAAAGAGGGGCTCCGGGTGAGAAAGGTGAAGGAGGCCCT[C>G]CTGGAGTTGCAGGACCCCCTGGAGGTTCTGGACCTGCTGTAAGTTCCTTCCTCTTTCTCT-3'
Protein context (NP_000081.2, residues 829-849): APGEKGEGGP[Pro839Ala]GVAGPPGGSG